The following is an entry in ClinVar:

ClinVar aggregate classification (germline): Likely pathogenic (1 of 4 stars; one submission).

Conditions:
PAX6-related disorder. Also called: PAX6-related disorders; PAX6-related condition.

Submission:

Greenwood Genetic Center Diagnostic Laboratories, Greenwood Genetic Center
Classification: Likely pathogenic for PAX6-related disorder. Last evaluated: 2024-11-25. Review status: criteria provided, single submitter. Criteria: ACMG Guidelines, 2015. Collection method: clinical testing. Allele origin: germline. Affected: yes.
Comment: PVS1, PM2

NM_001368894.2(PAX6):c.959-26_976del

Gene: PAX6 (paired box 6; minus strand). Cytogenetic location: 11p13.
Variant type: Deletion.
Coding change: c.959-26_976del on transcript NM_001368894.2 (MANE Select); 26 bases into the intron before coding-DNA position 959 through coding-DNA position 976, 44 bases deleted.
Molecular consequence: splice acceptor variant.
Genome position (GRCh38, 1-based): chr11:31,793,536-31,793,579, 44 bases deleted; deleting any 44 consecutive bases within chr11:31,793,536-31,793,583 gives the same sequence; the c. name uses the placement nearest the transcript's 3' end. GRCh37 (hg19): chr11:31,815,088-31,815,131.
Other names: c.917-26_934del (NM_001127612.3, NM_001368890.2, NM_001368888.2 and 10 more transcripts); c.758-26_775del (NM_001368921.2, NM_001368923.2, NM_001368926.2 and 4 more transcripts); c.959-26_976del (NM_001258462.3, NM_001310158.2, NM_001258463.2 and 6 more transcripts); c.1034-26_1051del (NM_001368919.2, NM_001368918.2); c.1160-26_1177del (NM_001368910.2); c.509-26_526del (NM_001368909.2, NM_001368904.2, NM_001368905.2 and 11 more transcripts); c.962-26_979del (NM_001368911.2); c.716-26_733del (NM_001368928.2); and 2 more.
Identifiers: ClinVar variation 3765791 (VCV003765791.1).